The following is an entry in ClinVar:

NM_006236.3(POU3F3):c.875C>T (p.Pro292Leu)

Gene: POU3F3 (POU class 3 homeobox 3; plus strand). Cytogenetic location: 2q12.1.
Variant type: single nucleotide variant.
Coding change: c.875C>T on transcript NM_006236.3 (MANE Select); coding-DNA position 875, C replaced by T.
Protein change: p.Pro292Leu; replaces proline 292 with leucine.
Molecular consequence: missense variant.
Genome position (GRCh38, 1-based): chr2:104,856,385, C>T. VCF-style: chr2-104856385-C-T. GRCh37 (hg19) VCF-style: chr2-105472843-C-T.
Other names: short protein forms P292L.
Identifiers: ClinVar variation 3385214 (VCV003385214.1).

ClinVar aggregate classification (germline): Uncertain significance (1 of 4 stars; one submission).

gnomAD v4.1: 4 of 1,560,570 alleles (0.00026%); highest among the groups gnomAD compares: African/African-American, 0.0027%; no homozygotes.

Submission:

Women's Health and Genetics/Laboratory Corporation of America, LabCorp
Classification: Uncertain significance. Last evaluated: 2024-10-31. Review status: criteria provided, single submitter. Criteria: LabCorp Variant Classification Summary - May 2015. Collection method: clinical testing. Allele origin: germline.
Comment: Variant summary: POU3F3 c.875C>T (p.Pro292Leu) results in a non-conservative amino acid change in the encoded protein sequence. Three of five in-silico tools predict a benign effect of the variant on protein function. The variant was absent in 165878 control chromosomes. The available data on variant occurrences in the general population are insufficient to allow any conclusion about variant significance. To our knowledge, no occurrence of c.875C>T in individuals affected with Snijders Blok-Fisher Syndrome and no experimental evidence demonstrating its impact on protein function have been reported. No submitters have cited clinical-significance assessments for this variant to ClinVar. Based on the evidence outlined above, the variant was classified as uncertain significance.